The following is an entry in ClinVar:

ClinVar aggregate classification (germline): Likely benign (0 of 4 stars; one submission).

Conditions:
PCCA-related disorder. Also called: PCCA-related condition.

Allele frequency attached by ClinVar (database versions not stated): gnomAD exomes below 0.00001.
gnomAD v4.1: 1 of 1,512,962 alleles (0.000066%); highest among the groups gnomAD compares: Non-Finnish European, 0.000092%; no homozygotes.

Submission:

PreventionGenetics, part of Exact Sciences
Classification: Likely benign for PCCA-related condition. Last evaluated: 2023-10-20. Review status: no assertion criteria provided. Collection method: clinical testing. Allele origin: germline.
Comment: This variant is classified as likely benign based on ACMG/AMP sequence variant interpretation guidelines (Richards et al. 2015 PMID: 25741868, with internal and published modifications).

NM_000282.4(PCCA):c.1746+9T>G

Gene: PCCA (propionyl-CoA carboxylase subunit alpha; plus strand). Cytogenetic location: 13q32.3.
Variant type: single nucleotide variant.
Coding change: c.1746+9T>G on transcript NM_000282.4 (MANE Select); 9 bases into the intron after coding-DNA position 1746, T replaced by G.
Molecular consequence: intron variant.
Genome position (GRCh38, 1-based): chr13:100,368,583, T>G. VCF-style: chr13-100368583-T-G. GRCh37 (hg19) VCF-style: chr13-101020837-T-G.
Other names: c.1746+9T>G (NM_001178004.2, NM_001352605.2, NM_001352609.2); c.1602+9T>G (NM_001352606.2); c.801+9T>G (NM_001352610.2, NM_001352611.2); c.657+9T>G (NM_001352612.2); c.1668+9T>G (NM_001127692.3, NM_001352607.2); c.1524+9T>G (NM_001352608.2).
Identifiers: ClinVar variation 3033397 (VCV003033397.2), dbSNP rs2548445819, ClinGen allele CA2623560089.